The following is an entry in ClinVar:

NC_000002.11:g.(?_32366953)_(32370096_?)del

Gene: SPAST (spastin; plus strand). Cytogenetic location: 2p22.3.
Variant type: Deletion.
Identifiers: ClinVar variation 2426006 (VCV002426006.4).

ClinVar aggregate classification (germline): Pathogenic (1 of 4 stars; one submission).

Conditions:
Hereditary spastic paraplegia 4. Also called: Spastic paraplegia 4, autosomal dominant; Spastic Paraplegia 4; Familial spastic paraplegia autosomal dominant 2. Identifiers: Orphanet 100985, MedGen C1866855, MONDO:0008438, OMIM 182601.

Submission:

Labcorp Genetics (formerly Invitae), Labcorp
Classification: Pathogenic for Hereditary spastic paraplegia 4. Last evaluated: 2024-01-05. Review status: criteria provided, single submitter. Criteria: Invitae Variant Classification Sherloc (09022015). Collection method: clinical testing. Allele origin: germline.
Comment: This variant is a gross deletion of the genomic region encompassing exon(s) 13-15 of the SPAST gene. This deletion is out-of-frame, and is expected to create a premature termination codon and result in an absent or disrupted protein product. Loss-of-function variants in SPAST are known to be pathogenic (PMID: 20932283). A similar copy number variant has been observed in individual(s) with hereditary spastic paraplegia (PMID: 25454648, 30476002). For these reasons, this variant has been classified as Pathogenic.

Literature cited by the submitters: PubMed 20932283; PubMed 25454648; PubMed 30476002.